The following is an entry in ClinVar:

NM_001136193.2(FASTKD2):c.1279G>C (p.Glu427Gln)

Gene: FASTKD2 (FAST kinase domains 2; plus strand). Cytogenetic location: 2q33.3.
Variant type: single nucleotide variant.
Coding change: c.1279G>C on transcript NM_001136193.2 (MANE Select); coding-DNA position 1279, G replaced by C.
Protein change: p.Glu427Gln; replaces glutamic acid 427 with glutamine.
Molecular consequence: missense variant.
Genome position (GRCh38, 1-based): chr2:206,774,249, G>C. VCF-style: chr2-206774249-G-C. GRCh37 (hg19) VCF-style: chr2-207638973-G-C.
Other names: c.1279G>C, p.Glu427Gln (NM_001136194.2, NM_014929.4); c.1279G>C (NM_014929.3); short protein forms E427Q.
Identifiers: ClinVar variation 1414147 (VCV001414147.6), dbSNP rs200972487, ClinGen allele CA2075118.

ClinVar aggregate classification (germline): Uncertain significance. Review status: criteria provided, multiple submitters, no conflicts (2 of 4 stars). 2 submissions from 2 submitters: Uncertain significance (2). Last evaluated 2025-08-02.

Conditions:
Inborn genetic diseases. Identifiers: MedGen C0950123, MeSH D030342.

Allele frequency attached by ClinVar (database versions not stated): gnomAD 0.00001; gnomAD exomes 0.00002 and 0.00004; TOPMed 0.00003; ExAC 0.00005.
gnomAD v4.1: 30 of 1,610,712 alleles (0.0019%); highest among the groups gnomAD compares: Admixed American, 0.018%; no homozygotes.

Submissions (2):

Ambry Genetics
Classification: Uncertain significance for Inborn genetic diseases. Last evaluated: 2025-08-02. Review status: criteria provided, single submitter. Criteria: Ambry Variant Classification Scheme 2023. Collection method: clinical testing. Allele origin: germline.

Labcorp Genetics (formerly Invitae), Labcorp
Classification: Uncertain significance. Last evaluated: 2022-10-05. Review status: criteria provided, single submitter. Criteria: Invitae Variant Classification Sherloc (09022015). Collection method: clinical testing. Allele origin: germline.
Comment: This sequence change replaces glutamic acid, which is acidic and polar, with glutamine, which is neutral and polar, at codon 427 of the FASTKD2 protein (p.Glu427Gln). This variant is present in population databases (rs200972487, gnomAD 0.02%). This variant has not been reported in the literature in individuals affected with FASTKD2-related conditions. ClinVar contains an entry for this variant (Variation ID: 1414147). Advanced modeling of protein sequence and biophysical properties (such as structural, functional, and spatial information, amino acid conservation, physicochemical variation, residue mobility, and thermodynamic stability) performed at Invitae indicates that this missense variant is expected to disrupt FASTKD2 protein function. In summary, the available evidence is currently insufficient to determine the role of this variant in disease. Therefore, it has been classified as a Variant of Uncertain Significance.